The following is an entry in ClinVar:

NM_018979.4(WNK1):c.449G>C (p.Gly150Ala)

Gene: WNK1 (WNK lysine deficient protein kinase 1; plus strand). Cytogenetic location: 12p13.33.
Variant type: single nucleotide variant.
Coding change: c.449G>C on transcript NM_018979.4 (MANE Select); coding-DNA position 449, G replaced by C.
Protein change: p.Gly150Ala; replaces glycine 150 with alanine.
Molecular consequence: missense variant.
Genome position (GRCh38, 1-based): chr12:754,014, G>C. VCF-style: chr12-754014-G-C. GRCh37 (hg19) VCF-style: chr12-863180-G-C.
Other names: c.449G>C, p.Gly150Ala (NM_001184985.2, NM_014823.3, NM_213655.5); short protein forms G150A.
Identifiers: ClinVar variation 1741021 (VCV001741021.2), dbSNP rs1326246152, ClinGen allele CA383306515.

ClinVar aggregate classification (germline): Uncertain significance (1 of 4 stars; one submission).

Conditions:
Inborn genetic diseases. Identifiers: MedGen C0950123, MeSH D030342.

Allele frequency attached by ClinVar (database versions not stated): gnomAD 0.00001; TOPMed 0.00002.
gnomAD v4.1: 2 of 1,587,032 alleles (0.00013%); highest among the groups gnomAD compares: African/African-American, 0.0027%; no homozygotes.

Submission:

Ambry Genetics
Classification: Uncertain significance for Inborn genetic diseases. Last evaluated: 2022-03-02. Review status: criteria provided, single submitter. Criteria: Ambry Variant Classification Scheme 2023. Collection method: clinical testing. Allele origin: germline.
Comment: The p.G150A variant (also known as c.449G>C), located in coding exon 1 of the WNK1 gene, results from a G to C substitution at nucleotide position 449. The glycine at codon 150 is replaced by alanine, an amino acid with similar properties. This amino acid position is not well conserved in available vertebrate species. In addition, this alteration is predicted to be tolerated by in silico analysis. Since supporting evidence is limited at this time, the clinical significance of this alteration remains unclear.